The following is an entry in ClinVar:

ClinVar aggregate classification (germline): Uncertain significance. Review status: criteria provided, multiple submitters, no conflicts (2 of 4 stars). 3 submissions from 3 submitters: Uncertain significance (3). Last evaluated 2025-12-10.

Conditions:
Cardiovascular phenotype. Identifiers: MedGen CN230736.
CACNA1C-related disorder. Also called: CACNA1C-related disorders; CACNA1C-related condition. Identifiers: MedGen CN381092, MONDO:0700321.
Long QT syndrome (LQTS). Identifiers: MedGen C0023976, MeSH D008133, MONDO:0002442. Disease mechanism: loss of function. Inheritance: Various modes of inheritance.

Allele frequency attached by ClinVar (database versions not stated): gnomAD exomes 0.00001.
gnomAD v4.1: 3 of 1,613,726 alleles (0.00019%); highest among the groups gnomAD compares: Non-Finnish European, 0.00025%; no homozygotes.

Submissions (3):

PreventionGenetics, part of Exact Sciences
Classification: Uncertain significance for CACNA1C-related condition. Last evaluated: 2025-12-10. Review status: criteria provided, single submitter. Criteria: ACMG Guidelines, 2015. Collection method: clinical testing. Allele origin: germline.
Comment: The CACNA1C c.5625C>A variant is predicted to result in the amino acid substitution p.Asp1875Glu. To our knowledge, this variant has not been reported in the literature, although an alternate substitution impacting the same amino acid (p.Asp1875His) has been reported in an individual with Brugada syndrome (Novelli et al. 2022. PubMed ID: 34999275). The c.5625C>A (p.Asp1875Glu) variant is reported in 0.00089% of alleles in individuals of European (Non-Finnish) descent in gnomAD. At this time, the clinical significance of this variant is uncertain due to the absence of conclusive functional and genetic evidence.

Labcorp Genetics (formerly Invitae), Labcorp
Classification: Uncertain significance for Long QT syndrome. Last evaluated: 2024-06-11. Review status: criteria provided, single submitter. Criteria: Invitae Variant Classification Sherloc (09022015). Collection method: clinical testing. Allele origin: germline.
Comment: This sequence change replaces aspartic acid, which is acidic and polar, with glutamic acid, which is acidic and polar, at codon 1875 of the CACNA1C protein (p.Asp1875Glu). This variant is present in population databases (no rsID available, gnomAD 0.0009%). This variant has not been reported in the literature in individuals affected with CACNA1C-related conditions. Advanced modeling of protein sequence and biophysical properties (such as structural, functional, and spatial information, amino acid conservation, physicochemical variation, residue mobility, and thermodynamic stability) performed at Invitae indicates that this missense variant is not expected to disrupt CACNA1C protein function with a negative predictive value of 95%. In summary, the available evidence is currently insufficient to determine the role of this variant in disease. Therefore, it has been classified as a Variant of Uncertain Significance.

Ambry Genetics
Classification: Uncertain significance for Cardiovascular phenotype. Last evaluated: 2024-01-26. Review status: criteria provided, single submitter. Criteria: Ambry Variant Classification Scheme 2023. Collection method: clinical testing. Allele origin: germline.
Comment: The p.D1875E variant (also known as c.5625C>A), located in coding exon 44 of the CACNA1C gene, results from a C to A substitution at nucleotide position 5625. The aspartic acid at codon 1875 is replaced by glutamic acid, an amino acid with highly similar properties. This amino acid position is not well conserved in available vertebrate species. In addition, this alteration is predicted to be tolerated by in silico analysis. Based on the available evidence, the clinical significance of this alteration remains unclear.

NM_000719.7(CACNA1C):c.5625C>A (p.Asp1875Glu)

Genes: CACNA1C-AS1 (CACNA1C antisense RNA 1; minus strand), CACNA1C (calcium voltage-gated channel subunit alpha1 C; plus strand). Cytogenetic location: 12p13.33.
Variant type: single nucleotide variant.
Coding change: c.5625C>A on transcript NM_000719.7 (MANE Select); coding-DNA position 5625, C replaced by A.
Protein change: p.Asp1875Glu; replaces aspartic acid 1875 with glutamic acid.
Molecular consequence: missense variant.
Genome position (GRCh38, 1-based): chr12:2,685,787, C>A. VCF-style: chr12-2685787-C-A. GRCh37 (hg19) VCF-style: chr12-2794953-C-A.
Other names: c.5769C>A, p.Asp1923Glu (NM_001129827.2); c.5748C>A, p.Asp1916Glu (NM_001129829.2); c.5730C>A, p.Asp1910Glu (NM_001129830.3, NM_001167624.3); c.5709C>A, p.Asp1903Glu (NM_001129831.2); c.5685C>A, p.Asp1895Glu (NM_001129832.2); c.5682C>A, p.Asp1894Glu (NM_001129833.2, NM_001129834.2, NM_001129835.2); c.5676C>A, p.Asp1892Glu (NM_001129836.2); c.5649C>A, p.Asp1883Glu (NM_001129837.2, NM_001129838.2); and 6 more; short protein forms D1864E, D1872E, D1875E, D1881E, D1883E, D1892E, D1894E, D1895E.
Identifiers: ClinVar variation 3232243 (VCV003232243.4), dbSNP rs1312646230, ClinGen allele CA383382051.